The following is an entry in ClinVar:

ClinVar aggregate classification (germline): Likely benign (1 of 4 stars; one submission).

gnomAD v4.1: 21 of 1,551,962 alleles (0.0014%); highest among the groups gnomAD compares: Middle Eastern, 0.017%; no homozygotes.

Submission:

CeGaT Center for Human Genetics Tuebingen
Classification: Likely benign. Last evaluated: 2026-01-01. Review status: criteria provided, single submitter. Criteria: CeGaT Center For Human Genetics Tuebingen Variant Classification Criteria Version 2. Collection method: clinical testing. Allele origin: germline. Affected: yes. Observed: 1 variant allele.
Comment: SNAPC4: BP4, BP7

NM_003086.4(SNAPC4):c.1959G>A (p.Ala653=)

Gene: SNAPC4 (small nuclear RNA activating complex polypeptide 4; minus strand). Cytogenetic location: 9q34.3.
Variant type: single nucleotide variant.
Coding change: c.1959G>A on transcript NM_003086.4 (MANE Select); coding-DNA position 1959, G replaced by A.
Protein change: p.Ala653=; no amino-acid change (alanine 653 retained).
Molecular consequence: synonymous variant.
Genome position (GRCh38, 1-based): chr9:136,383,210, C>T on the plus strand (G>A on the coding strand, the complement: SNAPC4 is on the minus strand). VCF-style: chr9-136383210-C-T. GRCh37 (hg19) VCF-style: chr9-139277662-C-T.
Other names: c.1959G>A, p.Ala653= (NM_001394201.1, NM_001394202.1, NM_001394203.1).
Identifiers: ClinVar variation 4821960 (VCV004821960.4).